The following is an entry in ClinVar:

ClinVar aggregate classification (germline): Likely pathogenic (0 of 4 stars; one submission).

Conditions:
COL1A1-related disorder. Also called: COL1A1- related disease; COL1A1-related condition.

Submission:

PreventionGenetics, part of Exact Sciences
Classification: Likely pathogenic for COL1A1-related condition. Last evaluated: 2024-04-13. Review status: no assertion criteria provided. Collection method: clinical testing. Allele origin: germline.
Comment: The COL1A1 c.3145G>A variant is predicted to result in the amino acid substitution p.Gly1049Ser. This variant was reported in an individual with osteogenesis imperfecta (Reported with legacy nomenclature as Gly871Ser in Lund et al 1997. PubMed ID: 9101304). This variant is located in the conserved Gly-Xaa-Yaa triple helical domain where substitutions of a glycine are usually pathogenic (Residues 179-1192; Legacy nomenclature in Marini et al. 2007. PubMed ID: 17078022 indicates amino acids 1-1012; Symoens. 2014. PubMed ID: 25146735). This variant has not been reported in a large population database, indicating this variant is rare. This variant is interpreted as likely pathogenic.

NM_000088.4(COL1A1):c.3145G>A (p.Gly1049Ser)

Gene: COL1A1 (collagen type I alpha 1 chain; minus strand). Cytogenetic location: 17q21.33.
Variant type: single nucleotide variant.
Coding change: c.3145G>A on transcript NM_000088.4 (MANE Select); coding-DNA position 3145, G replaced by A.
Protein change: p.Gly1049Ser; replaces glycine 1049 with serine.
Molecular consequence: missense variant.
Genome position (GRCh38, 1-based): chr17:50,188,592, C>T on the plus strand (G>A on the coding strand, the complement: COL1A1 is on the minus strand). VCF-style: chr17-50188592-C-T. GRCh37 (hg19) VCF-style: chr17-48265953-C-T.
Other names: short protein forms G1049S.
Identifiers: ClinVar variation 3344663 (VCV003344663.1).